The following is an entry in ClinVar:

NM_007103.4(NDUFV1):c.595C>T (p.Arg199Cys)

Gene: NDUFV1 (NADH:ubiquinone oxidoreductase core subunit V1; plus strand). Cytogenetic location: 11q13.2.
Variant type: single nucleotide variant.
Coding change: c.595C>T on transcript NM_007103.4 (MANE Select); coding-DNA position 595, C replaced by T.
Protein change: p.Arg199Cys; replaces arginine 199 with cysteine.
Molecular consequence: missense variant.
Genome position (GRCh38, 1-based): chr11:67,610,465, C>T. VCF-style: chr11-67610465-C-T. GRCh37 (hg19) VCF-style: chr11-67377936-C-T.
Other names: p.Arg199Cys; c.568C>T, p.Arg190Cys (NM_001166102.2); short protein forms R199C, R190C.
Identifiers: ClinVar variation 427086 (VCV000427086.9), dbSNP rs201289242, ClinGen allele CA6143221.
Genomic context (GRCh38, chr11:67,610,465, plus strand): 5'-GCAGGTCTGATTGGCAAGAATGCTTGTGGCTCTGGCTATGATTTTGACGTGTTTGTGGTG[C>T]GCGGGGCTGGGGCCTACATCTGTGGAGAGGAGACAGCGCTCATCGAGTCCATTGAGGGCA-3'
Protein context (NP_009034.2, residues 189-209): SGYDFDVFVV[Arg199Cys]GAGAYICGEE

ClinVar aggregate classification (germline): Conflicting classifications of pathogenicity. Review status: criteria provided, conflicting classifications (1 of 4 stars). 4 submissions from 4 submitters: Likely pathogenic (1); Uncertain significance (2); Likely benign (1). Last evaluated 2026-01-24.

Allele frequency attached by ClinVar (database versions not stated): TOPMed 0.00006; 1000 Genomes Project 30x 0.00016; 1000 Genomes Project 0.00020; gnomAD 0.00035 and 0.00036; ExAC 0.00053.
gnomAD v4.1: 386 of 1,614,156 alleles (0.024%); highest among the groups gnomAD compares: Admixed American, 0.012%; 2 homozygotes.

Submissions (4):

Labcorp Genetics (formerly Invitae), Labcorp
Classification: Likely benign. Last evaluated: 2026-01-24. Review status: criteria provided, single submitter. Criteria: Invitae Variant Classification Sherloc (09022015). Collection method: clinical testing. Allele origin: germline.

Mayo Clinic Laboratories, Mayo Clinic
Classification: Uncertain significance. Last evaluated: 2025-04-08. Review status: criteria provided, single submitter. Criteria: ACMG Guidelines, 2015. Collection method: clinical testing. Allele origin: germline. Observed: 1 variant allele.
Comment: BS1, PP3

Blueprint Genetics
Classification: Uncertain significance. Last evaluated: 2024-06-24. Review status: criteria provided, single submitter. Criteria: ACMG Guidelines, 2015. Collection method: clinical testing. Allele origin: germline.

GeneDx
Classification: Likely pathogenic. Last evaluated: 2015-06-18. Review status: criteria provided, single submitter. Criteria: GeneDx Variant Classification (06012015). Collection method: clinical testing. Allele origin: germline. Affected: yes.
Comment: The R199C variant has not been published as a pathogenic variant, nor has it been reported as a benign polymorphism to our knowledge. In silico analysis is inconsistent in its predictions as to whether or not the R199C variant is damaging to the protein structure/function. However, the R199C variant is a non-conservative amino acid substitution, which is likely to impact secondary protein structure as these residues differ in polarity, charge, size and/or other properties. This substitution occurs at a position that is conserved across species, and a missense variant at the same position (R199P) and in nearby residues (Y204C, C206G, A211V) have been reported in the Human Gene Mutation Database in association with mitochondrial complex I deficiency (Stenson et al., 2014), supporting the functional importance of this region of the protein. Therefore, the R199C variant is a strong candidate for a pathogenic variant, however the possibility that it is a benign variant cannot be excluded

Literature cited by the submitters: PubMed 31589614 (cited by Mayo Clinic Laboratories, Mayo Clinic).